The following is an entry in ClinVar:

NM_001042492.3(NF1):c.7747A>T (p.Arg2583Trp)

Gene: NF1 (neurofibromin 1; plus strand). Cytogenetic location: 17q11.2.
Variant type: single nucleotide variant.
Coding change: c.7747A>T on transcript NM_001042492.3 (MANE Select); coding-DNA position 7747, A replaced by T.
Protein change: p.Arg2583Trp; replaces arginine 2583 with tryptophan.
Molecular consequence: missense variant.
Genome position (GRCh38, 1-based): chr17:31,356,968, A>T. VCF-style: chr17-31356968-A-T. GRCh37 (hg19) VCF-style: chr17-29683986-A-T.
Other names: c.7684A>T, p.Arg2562Trp (NM_000267.4); short protein forms R2583W, R2562W.
Identifiers: ClinVar variation 3879028 (VCV003879028.1).
Genomic context (GRCh38, chr17:31,356,968, plus strand): 5'-GTGAAGTGATTATCCAGGTGTTTGATCACGTTAATTCCCTATCTTGCTGCAGAAACTCAG[A>T]GGATTTCCTCATCACAACAGCACCCACATTTACGTAAAGTTTCAGTGTCTGAATCAAATG-3'
Protein context (NP_001035957.1, residues 2573-2593): AETDYEMETQ[Arg2583Trp]ISSSQQHPHL

ClinVar aggregate classification (germline): Uncertain significance (1 of 4 stars; one submission).

Conditions:
Cardiovascular phenotype. Identifiers: MedGen CN230736.
Hereditary cancer-predisposing syndrome. Also called: Tumor predisposition; Neoplastic Syndromes, Hereditary; Hereditary Cancer Syndrome; Hereditary neoplastic syndrome. Identifiers: Orphanet 140162, MedGen C0027672, MeSH D009386, MONDO:0015356.

Submission:

Ambry Genetics
Classification: Uncertain significance for Cardiovascular phenotype; Hereditary cancer-predisposing syndrome. Last evaluated: 2024-12-26. Review status: criteria provided, single submitter. Criteria: Ambry Variant Classification Scheme 2023. Collection method: clinical testing. Allele origin: germline.
Comment: The p.R2562W variant (also known as c.7684A>T), located in coding exon 52 of the NF1 gene, results from an A to T substitution at nucleotide position 7684. The arginine at codon 2562 is replaced by tryptophan, an amino acid with dissimilar properties. This amino acid position is conserved. In addition, the in silico prediction for this alteration is inconclusive. Based on the available evidence, the clinical significance of this variant remains unclear.